The following continues an entry in ClinVar:

NM_000548.5(TSC2):c.2713C>T (p.Arg905Trp)

Gene: TSC2. ClinVar aggregate classification (germline): Pathogenic. Pathogenic (17).

Submissions 9 to 21 of 21:

Ambry Genetics
Classification: Pathogenic for Hereditary cancer-predisposing syndrome. Last evaluated: 2022-11-22. Review status: criteria provided, single submitter. Criteria: Ambry Variant Classification Scheme 2023. Collection method: clinical testing. Allele origin: germline.
Comment: The p.R905W pathogenic mutation (also known as c.2713C>T), located in coding exon 23 of the TSC2 gene, results from a C to T substitution at nucleotide position 2713. The arginine at codon 905 is replaced by tryptophan, an amino acid with dissimilar properties. The p.R905W pathogenic variant has been reported as a recurrent de novo alteration in patients diagnosed with TSC (Au KS et al. Am. J. Hum. Genet., 1998 Feb;62:286-94; Jansen AC et al. Ann. Neurol. 2006 Nov;60(5):528-39; Le Caignec C et al. Eur. J. Hum. Genet., 2009 Sep;17:1165-70). Two additional mutations at codon 905 (p.R905Q and p.R905G) have been reported in numerous TSC families to date. Functional studies indicate that p.R905W disrupts tuberin activity and is pathogenic (Jansen AC et al. Ann. Neurol. 2006 Nov;60(5):528-39; Hoogeveen-Westerveld M et al. Hum. Mutat., 2011 Apr;32:424-35). This variant is considered to be rare based on population cohorts in the Genome Aggregation Database (gnomAD). Based on the available evidence, this alteration is interpreted as a disease-causing mutation.

Revvity Omics, Revvity
Classification: Pathogenic for Tuberous sclerosis 2. Last evaluated: 2022-10-17. Review status: criteria provided, single submitter. Criteria: ACMG Guidelines, 2015. Collection method: clinical testing. Allele origin: germline.

Genetics and Molecular Pathology, SA Pathology
Classification: Pathogenic for Tuberous sclerosis 2. Last evaluated: 2021-12-22. Review status: criteria provided, single submitter. Criteria: ACMG Guidelines, 2015. Collection method: clinical testing. Allele origin: germline. Affected: yes.

GeneDx
Classification: Pathogenic. Last evaluated: 2021-12-17. Review status: criteria provided, single submitter. Criteria: GeneDx Variant Classification Process June 2021. Collection method: clinical testing. Allele origin: germline. Affected: yes.
Comment: Published functional studies demonstrate a damaging effect on the TSC1-TSC2 complex (Hoogeveen-Westerveld et al. 2011); In silico analysis supports that this missense variant has a deleterious effect on protein structure/function; Not observed in large population cohorts (Lek et al., 2016); This variant is associated with the following publications: (PMID: 31447099, 25782670, 12015165, 19259131, 17304050, 14641237, 9463313, 22867869, 17120248, 22805177, 10205261, 23081885, 29196670, 31855466, 21309039)

Genome-Nilou Lab
Classification: Pathogenic for Tuberous sclerosis 2. Last evaluated: 2021-11-07. Review status: criteria provided, single submitter. Criteria: ACMG Guidelines, 2015. Collection method: clinical testing. Allele origin: germline. Affected: no.

Fulgent Genetics
Classification: Pathogenic for Lymphangiomyomatosis; Isolated focal cortical dysplasia type II; Tuberous sclerosis 2. Last evaluated: 2021-06-30. Review status: criteria provided, single submitter. Criteria: ACMG Guidelines, 2015. Collection method: clinical testing. Allele origin: unknown.
Comment: This variant has been detected in individual(s) who were sent for testing of Renasight - kidney gene panel.

Laboratory for Molecular Medicine, Mass General Brigham Personalized Medicine
Classification: Pathogenic for Tuberous sclerosis syndrome. Last evaluated: 2018-04-20. Review status: criteria provided, single submitter. Criteria: LMM Criteria. Collection method: clinical testing. Allele origin: germline. Inheritance: Autosomal dominant inheritance. Observed: 1 variant allele.
Comment: The p.Arg905Trp variant in TSC2 has been previously reported in more than 25 ind ividuals with tuberous sclerosis complex, including at least one de novo occurre nce (TSC; Au 1998, Sancak 2005, Jansen 2006, Le Caignec 2009, Hoogeveen-Westerve ld 2011, van Eeghen 2013, Tuberous Sclerosis Project: s.org/, Tuberous sclerosis LOVD database: /TSC) and has also been reported by other clinical laboratories in ClinVar (Vari ation ID: 12404). In vitro functional studies provide some evidence that the p. Arg905Trp variant may impact protein function (Jansen 2006, Hoogeveen-Westerveld 2011). This variant was absent from large population studies. Computational pr ediction tools and conservation analysis suggest that the p.Arg905Trp variant ma y impact the protein. Another variant at the same amino acid position (p.Arg905G ln) has been reported in individuals with TSC (Beauchamp 1998, Yamamoto 2002, Ja nsen 2006, van Eeghen 2013, Tyburczy 2015, Tuberous Sclerosis Project), suggesting that changes at this amino acid po sition are not tolerated. In summary, this variant meets criteria to be classif ied as pathogenic for TSC in an autosomal dominant manner based upon presence in multiple affected individuals, including a de novo occurrence, absence from the general population and functional and computational evidence. ACMG/AMP Criteria applied: PS4, PM6, PM2, PP3, PS3_Supporting.

Center for Human Genetics, Inc
Classification: Pathogenic for Tuberous sclerosis 2. Last evaluated: 2016-11-01. Review status: criteria provided, single submitter. Criteria: ACMG Guidelines, 2015. Collection method: clinical testing. Allele origin: germline. Affected: yes.

Athena Diagnostics
Classification: Pathogenic for Tuberous sclerosis 2. Last evaluated: 2014-09-23. Review status: criteria provided, single submitter. Criteria: Athena Diagnostics Criteria. Collection method: clinical testing. Allele origin: germline. Inheritance: Autosomal dominant inheritance.

OMIM
Classification: Pathogenic for TUBEROUS SCLEROSIS 2. Last evaluated: 2009-09-01. Review status: no assertion criteria provided. Collection method: literature only. Allele origin: germline. Not counted in ClinVar's aggregate classification.

Clinical Genetics DNA and cytogenetics Diagnostics Lab, Erasmus MC, Erasmus Medical Center
Classification: Pathogenic. Review status: no assertion criteria provided. Collection method: clinical testing. Allele origin: germline. Affected: yes. Study: VKGL Data-share Consensus. Not counted in ClinVar's aggregate classification.

Diagnostic Laboratory, Department of Genetics, University Medical Center Groningen
Classification: Pathogenic. Review status: no assertion criteria provided. Collection method: clinical testing. Allele origin: germline. Affected: yes. Study: VKGL Data-share Consensus. Not counted in ClinVar's aggregate classification.

Tuberous sclerosis database (TSC2)
No classification provided. Condition: TSC. Review status: no classification provided. Criteria: Tuberous Sclerosis Database Assertion Criteria 2015. Collection method: curation. Allele origin: germline. Affected: yes. Not counted in ClinVar's aggregate classification.

Literature cited by the submitters: PubMed 17120248 (cited by 9 submitters); PubMed 9463313 (cited by 6 submitters); PubMed 12015165 (cited by 4 submitters); PubMed 19259131 (cited by 4 submitters); PubMed 22867869 (cited by 4 submitters); PubMed 21309039 (cited by 5 submitters); PubMed 9829910 (cited by Labcorp Genetics (formerly Invitae), Labcorp and Laboratory for Molecular Medicine, Mass General Brigham Personalized Medicine); PubMed 25432535 (cited by Labcorp Genetics (formerly Invitae), Labcorp and Laboratory for Molecular Medicine, Mass General Brigham Personalized Medicine); PubMed 29196670 (cited by 3 submitters); PubMed 17304050 (cited by Mayo Clinic Laboratories, Mayo Clinic); PubMed 29458892 (cited by Myriad Genetics, Inc.); PubMed 32917966 (cited by Myriad Genetics, Inc.); PubMed 14641237 (cited by Myriad Genetics, Inc. and Athena Diagnostics); PubMed 15798777 (cited by Laboratory for Molecular Medicine, Mass General Brigham Personalized Medicine and Athena Diagnostics); PubMed 10205261 (cited by Athena Diagnostics); PubMed 10607950 (cited by Athena Diagnostics); PubMed 22805177 (cited by Athena Diagnostics).